The following is an entry in ClinVar:

NM_000138.5(FBN1):c.7570+3G>A

Gene: FBN1 (fibrillin 1; minus strand). Cytogenetic location: 15q21.1.
Variant type: single nucleotide variant.
Coding change: c.7570+3G>A on transcript NM_000138.5 (MANE Select); 3 bases into the intron after coding-DNA position 7570, G replaced by A.
Molecular consequence: intron variant.
Genome position (GRCh38, 1-based): chr15:48,421,949, C>T on the plus strand (G>A on the coding strand, the complement: FBN1 is on the minus strand). VCF-style: chr15-48421949-C-T. GRCh37 (hg19) VCF-style: chr15-48714146-C-T.
Identifiers: ClinVar variation 1351357 (VCV001351357.6), dbSNP rs771716341, ClinGen allele CA2573150911.

ClinVar aggregate classification (germline): Uncertain significance (1 of 4 stars; one submission).

Conditions:
Marfan syndrome (MFS). Also called: Marfan syndrome type 1; Marfan's syndrome; FBN1-Related Marfan Syndrome; MARFAN SYNDROME, TYPE I; Marfan syndrome, classic. Identifiers: Orphanet 284963, Orphanet 558, MedGen C0024796, MONDO:0007947, OMIM 154700.
Familial thoracic aortic aneurysm and aortic dissection (TAAD). Also called: Thoracic aortic aneurysms and dissections. Identifiers: Orphanet 91387, MedGen C4707243, MONDO:0019625.

Submission:

Labcorp Genetics (formerly Invitae), Labcorp
Classification: Uncertain significance for Marfan syndrome; Familial thoracic aortic aneurysm and aortic dissection. Last evaluated: 2021-11-13. Review status: criteria provided, single submitter. Criteria: Invitae Variant Classification Sherloc (09022015). Collection method: clinical testing. Allele origin: germline.
Comment: In summary, the available evidence is currently insufficient to determine the role of this variant in disease. Therefore, it has been classified as a Variant of Uncertain Significance. Variants that disrupt the consensus splice site are a relatively common cause of aberrant splicing (PMID: 17576681, 9536098). Algorithms developed to predict the effect of sequence changes on RNA splicing suggest that this variant is not likely to affect RNA splicing. This variant has not been reported in the literature in individuals affected with FBN1-related conditions. This variant is not present in population databases (gnomAD no frequency). This sequence change falls in intron 61 of the FBN1 gene. It does not directly change the encoded amino acid sequence of the FBN1 protein. It affects a nucleotide within the consensus splice site.

Literature cited by the submitters: PubMed 17576681; PubMed 9536098.